The following is an entry in ClinVar:

NM_005732.4(RAD50):c.3766C>T (p.Arg1256Cys)

Genes: RAD50 (RAD50 double strand break repair protein; plus strand), TH2LCRR (T helper type 2 locus control region associated RNA; minus strand), TH2-LCR (Th2 cytokine locus control region; plus strand). Cytogenetic location: 5q31.1.
Variant type: single nucleotide variant.
Coding change: c.3766C>T on transcript NM_005732.4 (MANE Select); coding-DNA position 3766, C replaced by T.
Protein change: p.Arg1256Cys; replaces arginine 1256 with cysteine.
Molecular consequence: missense variant.
Genome position (GRCh38, 1-based): chr5:132,642,191, C>T. VCF-style: chr5-132642191-C-T. GRCh37 (hg19) VCF-style: chr5-131977883-C-T.
Other names: short protein forms R1256C.
Identifiers: ClinVar variation 480420 (VCV000480420.14), dbSNP rs561655417, ClinGen allele CA127238251.

ClinVar aggregate classification (germline): Uncertain significance. Review status: criteria provided, multiple submitters, no conflicts (2 of 4 stars). 2 submissions from 2 submitters: Uncertain significance (2). Last evaluated 2025-11-17.

Conditions:
Hereditary cancer-predisposing syndrome. Also called: Hereditary Cancer Syndrome; Neoplastic Syndromes, Hereditary; Tumor predisposition; Hereditary neoplastic syndrome. Identifiers: Orphanet 140162, MedGen C0027672, MeSH D009386, MONDO:0015356.

Allele frequency attached by ClinVar (database versions not stated): gnomAD 0.00001; gnomAD exomes 0.00001; TOPMed 0.00002.
gnomAD v4.1: 9 of 1,613,678 alleles (0.00056%); highest among the groups gnomAD compares: African/African-American, 0.0013%; no homozygotes.

Submissions (2):

Labcorp Genetics (formerly Invitae), Labcorp
Classification: Uncertain significance for Hereditary cancer-predisposing syndrome. Last evaluated: 2025-11-17. Review status: criteria provided, single submitter. Criteria: Invitae Variant Classification Sherloc (09022015). Collection method: clinical testing. Allele origin: germline.
Comment: This sequence change replaces arginine, which is basic and polar, with cysteine, which is neutral and slightly polar, at codon 1256 of the RAD50 protein (p.Arg1256Cys). This variant is present in population databases (rs561655417, gnomAD 0.003%). This variant has not been reported in the literature in individuals affected with RAD50-related conditions. ClinVar contains an entry for this variant (Variation ID: 480420). Invitae Evidence Modeling of protein sequence and biophysical properties (such as structural, functional, and spatial information, amino acid conservation, physicochemical variation, residue mobility, and thermodynamic stability) indicates that this missense variant is expected to disrupt RAD50 protein function with a positive predictive value of 80%. Experimental studies have shown that this missense change affects RAD50 function (PMID: 32187176). In summary, the available evidence is currently insufficient to determine the role of this variant in disease. Therefore, it has been classified as a Variant of Uncertain Significance.

Ambry Genetics
Classification: Uncertain significance for Hereditary cancer-predisposing syndrome. Last evaluated: 2020-05-13. Review status: criteria provided, single submitter. Criteria: Ambry Variant Classification Scheme 2023. Collection method: clinical testing. Allele origin: germline.
Comment: The p.R1256C variant (also known as c.3766C>T), located in coding exon 25 of the RAD50 gene, results from a C to T substitution at nucleotide position 3766. The arginine at codon 1256 is replaced by cysteine, an amino acid with highly dissimilar properties. This amino acid position is highly conserved in available vertebrate species. In addition, this alteration is predicted to be deleterious by in silico analysis. Since supporting evidence is limited at this time, the clinical significance of this alteration remains unclear.

Literature cited by the submitters: PubMed 32187176 (cited by Labcorp Genetics (formerly Invitae), Labcorp).